The following is an entry in ClinVar:

ClinVar aggregate classification (germline): Pathogenic (1 of 4 stars; one submission).

Submission:

Labcorp Genetics (formerly Invitae), Labcorp
Classification: Pathogenic. Last evaluated: 2022-07-18. Review status: criteria provided, single submitter. Criteria: Invitae Variant Classification Sherloc (09022015). Collection method: clinical testing. Allele origin: germline.
Comment: This variant is a gross deletion of the genomic region encompassing exon(s) 10-15 of the TTLL5 gene. This deletion is out-of-frame, and is expected to create a premature termination codon and result in an absent or disrupted protein product. Loss-of-function variants in TTLL5 are known to be pathogenic (PMID: 24791901, 27162334). A similar copy number variant has been observed in individual(s) with cone-rod dystrophy (PMID: 32531858). For these reasons, this variant has been classified as Pathogenic.

Literature cited by the submitters: PubMed 24791901; PubMed 27162334; PubMed 32531858.

NC_000014.8:g.(?_76184184)_(76201652_?)del

Gene: TTLL5 (tubulin tyrosine ligase like 5; plus strand). Cytogenetic location: 14q24.3.
Variant type: Deletion.
Identifiers: ClinVar variation 1460333 (VCV001460333.7).